The following is an entry in ClinVar:

NM_001377.3(DYNC2H1):c.2987T>G (p.Leu996Arg)

Gene: DYNC2H1 (dynein cytoplasmic 2 heavy chain 1; plus strand). Cytogenetic location: 11q22.3.
Variant type: single nucleotide variant.
Coding change: c.2987T>G on transcript NM_001377.3 (MANE Select); coding-DNA position 2987, T replaced by G.
Protein change: p.Leu996Arg; replaces leucine 996 with arginine.
Molecular consequence: missense variant.
Genome position (GRCh38, 1-based): chr11:103,152,176, T>G. VCF-style: chr11-103152176-T-G. GRCh37 (hg19) VCF-style: chr11-103022905-T-G.
Other names: c.2987T>G, p.Leu996Arg (NM_001080463.2); short protein forms L996R.
Identifiers: ClinVar variation 1704078 (VCV001704078.2), dbSNP rs572842570, ClinGen allele CA227417119.

ClinVar aggregate classification (germline): Uncertain significance (1 of 4 stars; one submission).

Allele frequency attached by ClinVar (database versions not stated): gnomAD exomes below 0.00001; TOPMed below 0.00001; gnomAD 0.00001; 1000 Genomes Project 30x 0.00016; 1000 Genomes Project 0.00020.
gnomAD v4.1: 3 of 1,608,810 alleles (0.00019%); highest among the groups gnomAD compares: East Asian, 0.0067%; no homozygotes.

Submission:

GeneDx
Classification: Uncertain significance. Last evaluated: 2022-03-02. Review status: criteria provided, single submitter. Criteria: GeneDx Variant Classification Process June 2021. Collection method: clinical testing. Allele origin: germline. Affected: yes.
Comment: Not observed at significant frequency in large population cohorts (gnomAD); In silico analysis supports that this missense variant has a deleterious effect on protein structure/function; Has not been previously published as pathogenic or benign to our knowledge